The following is an entry in ClinVar:

ClinVar aggregate classification (germline): Likely benign (1 of 4 stars; one submission).

Submission:

CeGaT Center for Human Genetics Tuebingen
Classification: Likely benign. Last evaluated: 2025-10-01. Review status: criteria provided, single submitter. Criteria: CeGaT Center For Human Genetics Tuebingen Variant Classification Criteria Version 2. Collection method: clinical testing. Allele origin: germline. Affected: yes. Observed: 1 variant allele.
Comment: ITPR1: PM2:Supporting, BP4, BP7

NM_001378452.1(ITPR1):c.1314T>C (p.Ala438=)

Gene: ITPR1 (inositol 1,4,5-trisphosphate receptor type 1; plus strand). Cytogenetic location: 3p26.1.
Variant type: single nucleotide variant.
Coding change: c.1314T>C on transcript NM_001378452.1 (MANE Select); coding-DNA position 1314, T replaced by C.
Protein change: p.Ala438=; no amino-acid change (alanine 438 retained).
Molecular consequence: synonymous variant.
Genome position (GRCh38, 1-based): chr3:4,662,144, T>C. VCF-style: chr3-4662144-T-C. GRCh37 (hg19) VCF-style: chr3-4703828-T-C.
Other names: c.1314T>C, p.Ala438= (NM_001099952.4); c.1269T>C, p.Ala423= (NM_001168272.2, NM_002222.7).
Identifiers: ClinVar variation 4534925 (VCV004534925.6).